The following is an entry in ClinVar:

ClinVar aggregate classification (germline): Uncertain significance. Review status: criteria provided, multiple submitters, no conflicts (2 of 4 stars). 2 submissions from 2 submitters: Uncertain significance (2). Last evaluated 2025-03-25.

Conditions:
Renal cell carcinoma. Identifiers: Orphanet 217071, MedGen C0007134, MeSH D002292, MONDO:0005086, HP:0005584.
Hereditary cancer-predisposing syndrome. Also called: Tumor predisposition; Hereditary neoplastic syndrome; Neoplastic Syndromes, Hereditary; Hereditary Cancer Syndrome. Identifiers: Orphanet 140162, MedGen C0027672, MeSH D009386, MONDO:0015356.

Allele frequency attached by ClinVar (database versions not stated): gnomAD exomes below 0.00001.
gnomAD v4.1: 2 of 1,614,088 alleles (0.00012%); highest among the groups gnomAD compares: Non-Finnish European, 0.000085%; no homozygotes.

Submissions (2):

Labcorp Genetics (formerly Invitae), Labcorp
Classification: Uncertain significance for Renal cell carcinoma. Last evaluated: 2025-03-25. Review status: criteria provided, single submitter. Criteria: Invitae Variant Classification Sherloc (09022015). Collection method: clinical testing. Allele origin: germline.
Comment: This sequence change replaces proline, which is neutral and non-polar, with leucine, which is neutral and non-polar, at codon 475 of the MET protein (p.Pro475Leu). This variant is not present in population databases (gnomAD no frequency). This variant has not been reported in the literature in individuals affected with MET-related conditions. ClinVar contains an entry for this variant (Variation ID: 961017). An algorithm developed to predict the effect of missense changes on protein structure and function (PolyPhen-2) suggests that this variant is likely to be disruptive. In summary, the available evidence is currently insufficient to determine the role of this variant in disease. Therefore, it has been classified as a Variant of Uncertain Significance.

Ambry Genetics
Classification: Uncertain significance for Hereditary cancer-predisposing syndrome. Last evaluated: 2025-02-14. Review status: criteria provided, single submitter. Criteria: Ambry Variant Classification Scheme 2023. Collection method: clinical testing. Allele origin: germline.
Comment: The p.P475L variant (also known as c.1424C>T), located in coding exon 3 of the MET gene, results from a C to T substitution at nucleotide position 1424. The proline at codon 475 is replaced by leucine, an amino acid with similar properties. This amino acid position is highly conserved in available vertebrate species. In addition, the in silico prediction for this alteration is inconclusive. Since supporting evidence is limited at this time, the clinical significance of this alteration remains unclear. Based on the available evidence, the clinical significance of this variant remains unclear.

NM_000245.4(MET):c.1424C>T (p.Pro475Leu)

Gene: MET (MET proto-oncogene, receptor tyrosine kinase; plus strand). Cytogenetic location: 7q31.2.
Variant type: single nucleotide variant.
Coding change: c.1424C>T on transcript NM_000245.4 (MANE Select); coding-DNA position 1424, C replaced by T.
Protein change: p.Pro475Leu; replaces proline 475 with leucine.
Molecular consequence: missense variant.
Genome position (GRCh38, 1-based): chr7:116,739,981, C>T. VCF-style: chr7-116739981-C-T. GRCh37 (hg19) VCF-style: chr7-116380035-C-T.
Other names: c.1424C>T, p.Pro475Leu (NM_001127500.3, NM_001324401.3); c.134C>T, p.Pro45Leu (NM_001324402.2); short protein forms P45L, P475L.
Identifiers: ClinVar variation 961017 (VCV000961017.13), dbSNP rs1793380035, ClinGen allele CA368974062.
Genomic context (GRCh38, chr7:116,739,981, plus strand): 5'-AAGGATGTTATAACTTTTTTGCTGTTTAGGTTGTGGTTTCTCGATCAGGACCATCAACCC[C>T]TCATGTGAATTTTCTCCTGGACTCCCATCCAGTGTCTCCAGAAGTGATTGTGGAGCATAC-3'
Protein context (NP_000236.2, residues 465-485): VVVSRSGPST[Pro475Leu]HVNFLLDSHP